The following is an entry in ClinVar:

NC_000011.9:g.(?_57365055)_(57428908_?)dup

Genes: CLP1 (cleavage factor polyribonucleotide kinase subunit 1; plus strand), MIR130A (microRNA 130a; plus strand), SERPING1 (serpin family G member 1; plus strand), YPEL4 (yippee like 4; minus strand). Cytogenetic location: 11q12.1.
Variant type: Duplication.
Identifiers: ClinVar variation 1372008 (VCV001372008.5).

ClinVar aggregate classification (germline): Uncertain significance (1 of 4 stars; one submission).

Submission:

Labcorp Genetics (formerly Invitae), Labcorp
Classification: Uncertain significance. Last evaluated: 2022-08-21. Review status: criteria provided, single submitter. Criteria: Invitae Variant Classification Sherloc (09022015). Collection method: clinical testing. Allele origin: germline.
Comment: In summary, the available evidence is currently insufficient to determine the role of this variant in disease. Therefore, it has been classified as a Variant of Uncertain Significance. This variant has not been reported in the literature in individuals affected with SERPING1-related conditions. A copy number gain of the genomic region encompassing the full coding sequence of the SERPING1 gene has been identified. The boundaries of this event are unknown as they extend beyond the assayed region for this gene and therefore may encompass additional genes. As the precise location of this event is unknown, it may be in tandem or it may be located elsewhere in the genome.